The following is an entry in ClinVar:

ClinVar aggregate classification (germline): Pathogenic (1 of 4 stars; one submission).

Conditions:
Spastic paraplegia. Identifiers: MedGen C0037772, HP:0001258.

Allele frequency attached by ClinVar (database versions not stated): gnomAD exomes below 0.00001.
gnomAD v4.1: 2 of 1,515,970 alleles (0.00013%); highest among the groups gnomAD compares: Non-Finnish European, 0.00018%; no homozygotes.

Submission:

Labcorp Genetics (formerly Invitae), Labcorp
Classification: Pathogenic for Spastic paraplegia. Last evaluated: 2022-10-25. Review status: criteria provided, single submitter. Criteria: Invitae Variant Classification Sherloc (09022015). Collection method: clinical testing. Allele origin: germline.
Comment: For these reasons, this variant has been classified as Pathogenic. This premature translational stop signal has been observed in individual(s) with hereditary spastic paraplegia (PMID: 25496456). This variant is not present in population databases (gnomAD no frequency). This sequence change creates a premature translational stop signal (p.Gln89*) in the FA2H gene. It is expected to result in an absent or disrupted protein product. Loss-of-function variants in FA2H are known to be pathogenic (PMID: 20853438, 25496456, 25732363, 26344562).

Literature cited by the submitters: PubMed 25496456; PubMed 20853438; PubMed 25732363; PubMed 26344562.

NM_024306.5(FA2H):c.265C>T (p.Gln89Ter)

Genes: FA2H (fatty acid 2-hydroxylase; minus strand), LOC130059393 (ATAC-STARR-seq lymphoblastoid silent region 7700; plus strand). Cytogenetic location: 16q23.1.
Variant type: single nucleotide variant.
Coding change: c.265C>T on transcript NM_024306.5 (MANE Select); coding-DNA position 265, C replaced by T.
Protein change: p.Gln89Ter; replaces glutamine 89 with a stop codon.
Molecular consequence: nonsense.
Genome position (GRCh38, 1-based): chr16:74,774,491, G>A on the plus strand (C>T on the coding strand, the complement: FA2H is on the minus strand). VCF-style: chr16-74774491-G-A. GRCh37 (hg19) VCF-style: chr16-74808389-G-A.
Other names: short protein forms Q89*.
Identifiers: ClinVar variation 2137845 (VCV002137845.4), dbSNP rs2544384008, ClinGen allele CA396768064.
Genomic context (GRCh38, chr16:74,774,491, plus strand): 5'-AGTGGAAGGCTGACGGAGGCCTGGGTTGGGGTGGGGGGCCCCGGCCCGGCTGTACCTGCT[G>A]CTCCCCGCGGAGCTCTCCCACGTAGTACTGCTCCAGCCAGCGGCGCGCGTTGGCCGAGTG-3'